The following is an entry in ClinVar:

ClinVar aggregate classification (germline): Uncertain significance (1 of 4 stars; one submission).

Submission:

Labcorp Genetics (formerly Invitae), Labcorp
Classification: Uncertain significance. Last evaluated: 2020-12-24. Review status: criteria provided, single submitter. Criteria: Invitae Variant Classification Sherloc (09022015). Collection method: clinical testing. Allele origin: germline.
Comment: Algorithms developed to predict the effect of missense changes on protein structure and function are either unavailable or do not agree on the potential impact of this missense change (SIFT: "Deleterious"; PolyPhen-2: "Probably Damaging"; Align-GVGD: "Class C15"). This sequence change replaces glycine with tryptophan at codon 150 of the CACNA1F protein (p.Gly150Trp). The glycine residue is highly conserved and there is a large physicochemical difference between glycine and tryptophan. This variant is not present in population databases (ExAC no frequency). This variant has not been reported in the literature in individuals with CACNA1F-related conditions. In summary, the available evidence is currently insufficient to determine the role of this variant in disease. Therefore, it has been classified as a Variant of Uncertain Significance.

NM_001256789.3(CACNA1F):c.448G>T (p.Gly150Trp)

Gene: CACNA1F (calcium voltage-gated channel subunit alpha1 F; minus strand). Cytogenetic location: Xp11.23.
Variant type: single nucleotide variant.
Coding change: c.448G>T on transcript NM_001256789.3 (MANE Select); coding-DNA position 448, G replaced by T.
Protein change: p.Gly150Trp; replaces glycine 150 with tryptophan.
Molecular consequence: missense variant.
Genome position (GRCh38, 1-based): chrX:49,230,923, C>A on the plus strand (G>T on the coding strand, the complement: CACNA1F is on the minus strand). VCF-style: chrX-49230923-C-A. GRCh37 (hg19) VCF-style: chrX-49087385-C-A.
Other names: c.253G>T, p.Gly85Trp (NM_001256790.3); c.448G>T, p.Gly150Trp (NM_005183.4); short protein forms G85W, G150W.
Identifiers: ClinVar variation 1511410 (VCV001511410.8), dbSNP rs2147924995, ClinGen allele CA412926065.